The following is an entry in ClinVar:

NM_138694.4(PKHD1):c.1487G>A (p.Arg496Gln)

Gene: PKHD1 (PKHD1 ciliary IPT domain containing fibrocystin/polyductin; minus strand). Cytogenetic location: 6p12.2.
Variant type: single nucleotide variant.
Coding change: c.1487G>A on transcript NM_138694.4 (MANE Select); coding-DNA position 1487, G replaced by A.
Protein change: p.Arg496Gln; replaces arginine 496 with glutamine.
Molecular consequence: missense variant.
Genome position (GRCh38, 1-based): chr6:52,058,348, C>T on the plus strand (G>A on the coding strand, the complement: PKHD1 is on the minus strand). VCF-style: chr6-52058348-C-T. GRCh37 (hg19) VCF-style: chr6-51923146-C-T.
Other names: c.1487G>A, p.Arg496Gln (NM_170724.3); short protein forms R496Q.
Identifiers: ClinVar variation 909231 (VCV000909231.6), dbSNP rs181391485, ClinGen allele CA3853548.

ClinVar aggregate classification (germline): Uncertain significance. Review status: criteria provided, multiple submitters, no conflicts (2 of 4 stars). 3 submissions from 3 submitters: Uncertain significance (3). Last evaluated 2024-12-07.

Conditions:
Polycystic kidney disease 4 (PKD4). Also called: PKD3; POLYCYSTIC KIDNEY AND HEPATIC DISEASE 1; POLYCYSTIC KIDNEY DISEASE, INFANTILE, TYPE I; POLYCYSTIC KIDNEY DISEASE 4 WITH OR WITHOUT POLYCYSTIC LIVER DISEASE; Autosomal Recessive Polycystic Kidney Disease – PKHD1. Identifiers: MedGen C4540575, MONDO:0033004, OMIM 263200.
Autosomal recessive polycystic kidney disease (ARPKD). Also called: AR polycystic kidney disease. Identifiers: Orphanet 731, Orphanet 8378, MedGen C0085548, MeSH D017044, MONDO:0009889.

Allele frequency attached by ClinVar (database versions not stated): gnomAD 0.00001; TOPMed 0.00001; ExAC 0.00006; gnomAD exomes 0.00008; 1000 Genomes Project 30x 0.00016; 1000 Genomes Project 0.00020.
gnomAD v4.1: 43 of 1,614,120 alleles (0.0027%); highest among the groups gnomAD compares: East Asian, 0.089%; no homozygotes.

Submissions (3):

Labcorp Genetics (formerly Invitae), Labcorp
Classification: Uncertain significance for Autosomal recessive polycystic kidney disease. Last evaluated: 2024-12-07. Review status: criteria provided, single submitter. Criteria: Invitae Variant Classification Sherloc (09022015). Collection method: clinical testing. Allele origin: germline.
Comment: This sequence change replaces arginine, which is basic and polar, with glutamine, which is neutral and polar, at codon 496 of the PKHD1 protein (p.Arg496Gln). This variant is present in population databases (rs181391485, gnomAD 0.1%). This missense change has been observed in individual(s) with clinical features of polycystic kidney disease (PMID: 35778421). ClinVar contains an entry for this variant (Variation ID: 909231). Invitae Evidence Modeling of protein sequence and biophysical properties (such as structural, functional, and spatial information, amino acid conservation, physicochemical variation, residue mobility, and thermodynamic stability) indicates that this missense variant is not expected to disrupt PKHD1 protein function with a negative predictive value of 95%. This variant disrupts the p.Arg496 amino acid residue in PKHD1. Other variant(s) that disrupt this residue have been determined to be pathogenic (PMID: 12506140). This suggests that this residue is clinically significant, and that variants that disrupt this residue are likely to be disease-causing. In summary, the available evidence is currently insufficient to determine the role of this variant in disease. Therefore, it has been classified as a Variant of Uncertain Significance.

Fulgent Genetics
Classification: Uncertain significance for Polycystic kidney disease 4. Last evaluated: 2024-06-02. Review status: criteria provided, single submitter. Criteria: ACMG Guidelines, 2015. Collection method: clinical testing. Allele origin: germline.

Illumina Laboratory Services, Illumina
Classification: Uncertain significance for Polycystic kidney disease 4. Last evaluated: 2017-04-27. Review status: criteria provided, single submitter. Criteria: ICSL Variant Classification Criteria 13 December 2019. Collection method: clinical testing. Allele origin: germline.

Literature cited by the submitters: PubMed 35778421 (cited by Labcorp Genetics (formerly Invitae), Labcorp); PubMed 12506140 (cited by Labcorp Genetics (formerly Invitae), Labcorp).